The following is an entry in ClinVar:

NM_032043.3(BRIP1):c.976C>A (p.Gln326Lys)

Gene: BRIP1 (BRCA1 interacting DNA helicase 1; minus strand). Cytogenetic location: 17q23.2.
Variant type: single nucleotide variant.
Coding change: c.976C>A on transcript NM_032043.3 (MANE Select); coding-DNA position 976, C replaced by A.
Protein change: p.Gln326Lys; replaces glutamine 326 with lysine.
Molecular consequence: missense variant.
Genome position (GRCh38, 1-based): chr17:61,801,417, G>T on the plus strand (C>A on the coding strand, the complement: BRIP1 is on the minus strand). VCF-style: chr17-61801417-G-T. GRCh37 (hg19) VCF-style: chr17-59878778-G-T.
Other names: short protein forms Q326K.
Identifiers: ClinVar variation 483186 (VCV000483186.6), dbSNP rs1555607768, ClinGen allele CA400484197.

ClinVar aggregate classification (germline): Uncertain significance (1 of 4 stars; one submission).

Conditions:
Hereditary cancer-predisposing syndrome. Also called: Neoplastic Syndromes, Hereditary; Tumor predisposition; Hereditary Cancer Syndrome; Hereditary neoplastic syndrome. Identifiers: Orphanet 140162, MedGen C0027672, MeSH D009386, MONDO:0015356.

Allele frequency attached by ClinVar (database versions not stated): TOPMed below 0.00001.

Submission:

Ambry Genetics
Classification: Uncertain significance for Hereditary cancer-predisposing syndrome. Last evaluated: 2025-05-31. Review status: criteria provided, single submitter. Criteria: Ambry Variant Classification Scheme 2023. Collection method: clinical testing. Allele origin: germline.
Comment: The p.Q326K variant (also known as c.976C>A), located in coding exon 7 of the BRIP1 gene, results from a C to A substitution at nucleotide position 976. The glutamine at codon 326 is replaced by lysine, an amino acid with similar properties. This amino acid position is well conserved in available vertebrate species. In addition, the in silico prediction for this alteration is inconclusive. Since supporting evidence is limited at this time, the clinical significance of this alteration remains unclear.